The following is an entry in ClinVar:

ClinVar aggregate classification (germline): Benign/Likely benign. Review status: criteria provided, multiple submitters, no conflicts (2 of 4 stars). 3 submissions from 3 submitters: Benign (1); Likely benign (2). Last evaluated 2026-08-18.

Conditions:
DICER1-related tumor predisposition. Also called: DICER1-related pleuropulmonary blastoma cancer predisposition syndrome; DICER1 syndrome. Identifiers: Orphanet 284343, MedGen C3839822, MONDO:0100216.
Hereditary cancer-predisposing syndrome. Also called: Hereditary Cancer Syndrome; Hereditary neoplastic syndrome; Neoplastic Syndromes, Hereditary; Tumor predisposition. Identifiers: Orphanet 140162, MedGen C0027672, MeSH D009386, MONDO:0015356.

Allele frequency attached by ClinVar (database versions not stated): gnomAD exomes below 0.00001; TOPMed 0.00002.
gnomAD v4.1: 2 of 1,614,184 alleles (0.00012%); highest among the groups gnomAD compares: Non-Finnish European, 0.00017%; no homozygotes.

Submissions (3):

Myriad Genetics, Inc.
Classification: Benign for DICER1-related tumor predisposition. Last evaluated: 2026-08-18. Review status: criteria provided, single submitter. Criteria: Myriad Autosomal Dominant, Autosomal Recessive and X-Linked Classification Criteria (2023). Collection method: clinical testing. Allele origin: unknown.
Comment: This variant is considered benign. This variant is a silent/synonymous amino acid change and it is not expected to impact splicing.

Labcorp Genetics (formerly Invitae), Labcorp
Classification: Likely benign for DICER1-related tumor predisposition. Last evaluated: 2024-12-04. Review status: criteria provided, single submitter. Criteria: Invitae Variant Classification Sherloc (09022015). Collection method: clinical testing. Allele origin: germline.

Ambry Genetics
Classification: Likely benign for Hereditary cancer-predisposing syndrome. Last evaluated: 2019-10-10. Review status: criteria provided, single submitter. Criteria: Ambry Variant Classification Scheme 2023. Collection method: clinical testing. Allele origin: germline.

NM_177438.3(DICER1):c.5283C>T (p.Val1761=)

Gene: DICER1 (dicer 1, ribonuclease III; minus strand). Cytogenetic location: 14q32.13.
Variant type: single nucleotide variant.
Coding change: c.5283C>T on transcript NM_177438.3 (MANE Select); coding-DNA position 5283, C replaced by T.
Protein change: p.Val1761=; no amino-acid change (valine 1761 retained).
Molecular consequence: synonymous variant.
Genome position (GRCh38, 1-based): chr14:95,093,969, G>A on the plus strand (C>T on the coding strand, the complement: DICER1 is on the minus strand). VCF-style: chr14-95093969-G-A. GRCh37 (hg19) VCF-style: chr14-95560306-G-A.
Other names: c.5283C>T, p.Val1761= (NM_001195573.1, NM_001271282.3, NM_001291628.2 and 1 more transcripts).
Identifiers: ClinVar variation 417098 (VCV000417098.19), dbSNP rs1060504979, ClinGen allele CA16614481.